The following is an entry in ClinVar:

ClinVar aggregate classification (germline): Pathogenic. Review status: criteria provided, single submitter (1 of 4 stars). 2 submissions from 2 submitters: Pathogenic (1). 1 of the submissions does not count toward it. Last evaluated 2025-01-29.

Conditions:
Bleeding disorder, platelet-type, 24. Also called: GLANZMANN THROMBASTHENIA-LIKE WITH MACROTHROMBOCYTOPENIA 2. Identifiers: MedGen C5543280, MONDO:0030996, OMIM 619271.

gnomAD v4.1: 4 of 1,614,204 alleles (0.00025%); highest among the groups gnomAD compares: Non-Finnish European, 0.00034%; no homozygotes.

Submissions (2):

Labcorp Genetics (formerly Invitae), Labcorp
Classification: Pathogenic. Last evaluated: 2025-01-29. Review status: criteria provided, single submitter. Criteria: Invitae Variant Classification Sherloc (09022015). Collection method: clinical testing. Allele origin: germline.
Comment: This sequence change replaces arginine, which is basic and polar, with cysteine, which is neutral and slightly polar, at codon 760 of the ITGB3 protein (p.Arg760Cys). This variant is not present in population databases (gnomAD no frequency). This missense change has been observed in individual(s) with macrothrombocytopenia (PMID: 33276370). It has also been observed to segregate with disease in related individuals. ClinVar contains an entry for this variant (Variation ID: 1697255). Invitae Evidence Modeling of protein sequence and biophysical properties (such as structural, functional, and spatial information, amino acid conservation, physicochemical variation, residue mobility, and thermodynamic stability) indicates that this missense variant is expected to disrupt ITGB3 protein function with a positive predictive value of 95%. For these reasons, this variant has been classified as Pathogenic.

Unidade de Genética Molecular, Centro Hospitalar Universitário do Porto
Classification: Likely pathogenic for Bleeding disorder, platelet-type, 24. Review status: no assertion criteria provided. Collection method: research. Allele origin: germline. Inheritance: Autosomal dominant inheritance. Affected: yes. Observed: 1 heterozygote. Not counted in ClinVar's aggregate classification.

Literature cited by the submitters: PubMed 33276370 (cited by Labcorp Genetics (formerly Invitae), Labcorp); DOI 10.1371/journal.pone.0235136 (cited by Unidade de Genética Molecular, Centro Hospitalar Universitário do Porto).

NM_000212.3(ITGB3):c.2278C>T (p.Arg760Cys)

Genes: EFCAB13-DT (EFCAB13 divergent transcript; minus strand), ITGB3 (integrin subunit beta 3; plus strand). Cytogenetic location: 17q21.32.
Variant type: single nucleotide variant.
Coding change: c.2278C>T on transcript NM_000212.3 (MANE Select); coding-DNA position 2278, C replaced by T.
Protein change: p.Arg760Cys; replaces arginine 760 with cysteine.
Molecular consequence: missense variant.
Genome position (GRCh38, 1-based): chr17:47,307,614, C>T. VCF-style: chr17-47307614-C-T. GRCh37 (hg19) VCF-style: chr17-45384980-C-T.
Other names: short protein forms R760C.
Identifiers: ClinVar variation 1697255 (VCV001697255.7), dbSNP rs1431211616, ClinGen allele CA400034393.